The following is an entry in ClinVar:

NM_080425.4(GNAS):c.970A>C (p.Asn324His)

Gene: GNAS (GNAS complex locus; plus strand). Cytogenetic location: 20q13.32.
Variant type: single nucleotide variant.
Coding change: c.970A>C on transcript NM_080425.4 (MANE Plus Clinical); coding-DNA position 970, A replaced by C.
Protein change: p.Asn324His; replaces asparagine 324 with histidine.
Molecular consequence: missense variant. On other transcripts: synonymous variant (2), intron variant (3).
Genome position (GRCh38, 1-based): chr20:58,854,235, A>C. VCF-style: chr20-58854235-A-C. GRCh37 (hg19) VCF-style: chr20-57429290-A-C.
Other names: c.783A>C, p.Ser261= (NM_001309883.1, NM_001077490.3); c.970A>C, p.Asn324His (NM_001410913.1); c.*42+13349A>C (NM_016592.5); c.43+13349A>C (NM_001410912.1); c.-39+12360A>C (NM_001309861.2); short protein forms N324H.
Identifiers: ClinVar variation 3357442 (VCV003357442.2).

ClinVar aggregate classification (germline): Uncertain significance (1 of 4 stars; one submission).

Conditions:
GNAS-related disorder. Identifiers: MedGen CN380105.

gnomAD v4.1: 6 of 1,613,282 alleles (0.00037%); highest among the groups gnomAD compares: Non-Finnish European, 0.00051%; no homozygotes.

Submission:

PreventionGenetics, part of Exact Sciences
Classification: Uncertain significance for GNAS-related condition. Last evaluated: 2026-08-11. Review status: criteria provided, single submitter. Criteria: ACMG Guidelines, 2015. Collection method: clinical testing. Allele origin: germline.
Comment: The GNAS c.970A>C variant is predicted to result in the amino acid substitution p.Asn324His. To our knowledge, this variant has not been reported in the literature or in a large population database (gnomAD), indicating this variant is rare. At this time, the clinical significance of this variant is uncertain due to the absence of conclusive functional and genetic evidence.